The following is an entry in ClinVar:

ClinVar aggregate classification (germline): Uncertain significance (1 of 4 stars; one submission).

Conditions:
Hereditary breast ovarian cancer syndrome. Also called: Hereditary breast and ovarian cancer syndrome; BRCA1- and BRCA2-Associated Hereditary Breast and Ovarian Cancer; Hereditary breast and ovarian cancer; Hereditary breast and/or ovarian cancer syndrome; Hereditary breast and ovarian cancer syndrome (HBOC); Breast and ovarian cancer. Identifiers: Orphanet 145, MedGen C0677776, MeSH D061325, MONDO:0003582. Disease mechanism: loss of function.

Submission:

Labcorp Genetics (formerly Invitae), Labcorp
Classification: Uncertain significance for Hereditary breast ovarian cancer syndrome. Last evaluated: 2022-03-11. Review status: criteria provided, single submitter. Criteria: Invitae Variant Classification Sherloc (09022015). Collection method: clinical testing. Allele origin: germline.
Comment: In summary, the available evidence is currently insufficient to determine the role of this variant in disease. Therefore, it has been classified as a Variant of Uncertain Significance. Algorithms developed to predict the effect of sequence changes on RNA splicing suggest that this variant may create or strengthen a splice site. Advanced modeling of protein sequence and biophysical properties (such as structural, functional, and spatial information, amino acid conservation, physicochemical variation, residue mobility, and thermodynamic stability) performed at Invitae indicates that this missense variant is not expected to disrupt BRCA2 protein function. This variant has not been reported in the literature in individuals affected with BRCA2-related conditions. This variant is not present in population databases (gnomAD no frequency). This sequence change replaces glycine, which is neutral and non-polar, with valine, which is neutral and non-polar, at codon 3355 of the BRCA2 protein (p.Gly3355Val).

NM_000059.4(BRCA2):c.10064G>T (p.Gly3355Val)

Gene: BRCA2 (BRCA2 DNA repair associated; plus strand). Cytogenetic location: 13q13.1.
Variant type: single nucleotide variant.
Coding change: c.10064G>T on transcript NM_000059.4 (MANE Select); coding-DNA position 10064, G replaced by T.
Protein change: p.Gly3355Val; replaces glycine 3355 with valine.
Molecular consequence: missense variant.
Genome position (GRCh38, 1-based): chr13:32,398,577, G>T. VCF-style: chr13-32398577-G-T. GRCh37 (hg19) VCF-style: chr13-32972714-G-T.
Other names: c.9968G>T, p.Gly3323Val (NM_001406719.1); c.10013G>T, p.Gly3338Val (NM_001406720.1); c.5132G>T, p.Gly1711Val (NM_001406721.1); c.3647G>T, p.Gly1216Val (NM_001406722.1); short protein forms G1216V, G3323V, G3338V, G3355V, G1711V.
Identifiers: ClinVar variation 2109549 (VCV002109549.4), dbSNP rs1555290031, ClinGen allele CA387767880.